The following is an entry in ClinVar:

NM_001144967.3(NEDD4L):c.48+46726_48+46730del

Gene: NEDD4L (NEDD4 like E3 ubiquitin protein ligase; plus strand). Cytogenetic location: 18q21.31.
Variant type: Deletion.
Coding change: c.48+46726_48+46730del on transcript NM_001144967.3 (MANE Select); bases 46726 to 46730 of the intron after coding-DNA position 48, 5 bases deleted (AAGAT; older notation c.48+46726_48+46730delAAGAT).
Molecular consequence: intron variant.
Genome position (GRCh38, 1-based): chr18:58,091,434-58,091,438, AAGAT deleted. VCF-style (leftmost placement, unchanged base first): chr18-58091433-CAAGAT-C. GRCh37 (hg19) VCF-style: chr18-55758665-CAAGAT-C.
Other names: c.48+46726_48+46730del (NM_015277.6, NM_001243960.2); c.-316+43924_-316+43928del (NM_001144964.1).
Identifiers: ClinVar variation 2648758 (VCV002648758.24), dbSNP rs370689255, ClinGen allele CA301399688.

ClinVar aggregate classification (germline): Benign (1 of 4 stars; one submission).

Allele frequency attached by ClinVar (database versions not stated): 1000 Genomes Project 30x 0.00047; gnomAD 0.00121; TOPMed 0.00124.

Submission:

CeGaT Center for Human Genetics Tuebingen
Classification: Benign. Last evaluated: 2023-01-01. Review status: criteria provided, single submitter. Criteria: CeGaT Center For Human Genetics Tuebingen Variant Classification Criteria Version 2. Collection method: clinical testing. Allele origin: germline. Affected: yes. Observed: 1 variant allele.
Comment: NEDD4L: BS1, BS2